The following is an entry in ClinVar:

NM_207339.4(PAGE2):c.69G>A (p.Pro23=)

Gene: PAGE2 (PAGE family member 2; plus strand). Cytogenetic location: Xp11.21.
Variant type: single nucleotide variant.
Coding change: c.69G>A on transcript NM_207339.4 (MANE Select); coding-DNA position 69, G replaced by A.
Protein change: p.Pro23=; no amino-acid change (proline 23 retained).
Molecular consequence: synonymous variant.
Genome position (GRCh38, 1-based): chrX:55,090,089, G>A. VCF-style: chrX-55090089-G-A. GRCh37 (hg19) VCF-style: chrX-55116522-G-A.
Identifiers: ClinVar variation 2660692 (VCV002660692.24), dbSNP rs369034281, ClinGen allele CA10428635.
Genomic context (GRCh38, chrX:55,090,089, plus strand): 5'-GCTTCTAAGAGCAAGATCCCAATCCTCAGAAAGAGGAAATGACCAAGAGTCTTCCCAGCC[G>A]GTTGGATCTGTGATTGTGAGTCTTTTAACATTTGATGTTTTCTATTAACACAATTTATTT-3'
Protein context (NP_997222.1, residues 13-33): ERGNDQESSQ[Pro23=]VGSVIVQEPT

ClinVar aggregate classification (germline): Likely benign (1 of 4 stars; one submission).

Allele frequency attached by ClinVar (database versions not stated): 1000 Genomes Project 0.00026; ExAC 0.00038; gnomAD 0.00008; gnomAD exomes 0.00014; TOPMed 0.00014; 1000 Genomes Project 30x 0.00021.
gnomAD v4.1: 170 of 1,199,949 alleles (0.014%); highest among the groups gnomAD compares: East Asian, 0.26%; no homozygotes.

Submission:

CeGaT Center for Human Genetics Tuebingen
Classification: Likely benign. Last evaluated: 2022-05-01. Review status: criteria provided, single submitter. Criteria: CeGaT Center For Human Genetics Tuebingen Variant Classification Criteria Version 2. Collection method: clinical testing. Allele origin: germline. Affected: yes. Observed: 1 variant allele.
Comment: PAGE2: BP4, BP7